The following is an entry in ClinVar:

NM_052813.5(CARD9):c.1270-35_1270-5dup

Gene: CARD9 (caspase recruitment domain family member 9; minus strand). Cytogenetic location: 9q34.3.
Variant type: Duplication.
Coding change: c.1270-35_1270-5dup on transcript NM_052813.5 (MANE Select); 35 bases into the intron before coding-DNA position 1270 through 5 bases into the intron before coding-DNA position 1270, 31 bases duplicated.
Molecular consequence: intron variant.
Genome position (GRCh38, 1-based): chr9:136,367,262-136,367,292, 31 bases duplicated; duplicating any 31 consecutive bases within chr9:136,367,262-136,367,294 gives the same sequence; the c. name uses the placement nearest the transcript's 3' end. GRCh37 (hg19): chr9:139,261,716-139,261,746.
Other names: c.1270-35_1270-5dup (NM_052814.4).
Identifiers: ClinVar variation 999782 (VCV000999782.6), dbSNP rs1833145908, ClinGen allele CA1884180643.

ClinVar aggregate classification (germline): Uncertain significance (1 of 4 stars; one submission).

Conditions:
Predisposition to invasive fungal disease due to CARD9 deficiency (IMD103). Also called: Candidiasis, familial, 2, autosomal recessive; CARD9 IMMUNODEFICIENCY; IMMUNODEFICIENCY 103, SUSCEPTIBILITY TO FUNGAL INFECTIONS. Identifiers: Orphanet 457088, MedGen C1859353, MONDO:0008905, OMIM 212050.

Submission:

Labcorp Genetics (formerly Invitae), Labcorp
Classification: Uncertain significance for Predisposition to invasive fungal disease due to CARD9 deficiency. Last evaluated: 2022-02-04. Review status: criteria provided, single submitter. Criteria: Invitae Variant Classification Sherloc (09022015). Collection method: clinical testing. Allele origin: germline.
Comment: This sequence change falls in intron 8 of the CARD9 gene. It does not directly change the encoded amino acid sequence of the CARD9 protein. This variant is not present in population databases (gnomAD no frequency). This variant has not been reported in the literature in individuals affected with CARD9-related conditions. ClinVar contains an entry for this variant (Variation ID: 999782). Algorithms developed to predict the effect of sequence changes on RNA splicing suggest that this variant may create or strengthen a splice site. In summary, the available evidence is currently insufficient to determine the role of this variant in disease. Therefore, it has been classified as a Variant of Uncertain Significance.